The following is an entry in ClinVar:

ClinVar aggregate classification (germline): Uncertain significance. Review status: criteria provided, multiple submitters, no conflicts (2 of 4 stars). 2 submissions from 2 submitters: Uncertain significance (2). Last evaluated 2026-05-01.

Conditions:
Inborn genetic diseases. Identifiers: MedGen C0950123, MeSH D030342.

Allele frequency attached by ClinVar (database versions not stated): gnomAD exomes below 0.00001.
gnomAD v4.1: 2 of 1,613,338 alleles (0.00012%); highest among the groups gnomAD compares: Admixed American, 0.0033%; no homozygotes.

Submissions (2):

CeGaT Center for Human Genetics Tuebingen
Classification: Uncertain significance. Last evaluated: 2026-05-01. Review status: criteria provided, single submitter. Criteria: CeGaT Center For Human Genetics Tuebingen Variant Classification Criteria Version 2. Collection method: clinical testing. Allele origin: germline. Affected: yes. Observed: 1 variant allele.

Ambry Genetics
Classification: Uncertain significance for Inborn genetic diseases. Last evaluated: 2019-11-01. Review status: criteria provided, single submitter. Criteria: Ambry Variant Classification Scheme 2023. Collection method: clinical testing. Allele origin: germline.
Comment: The p.G597R variant (also known as c.1789G>A), located in coding exon 8 of the CTCF gene, results from a G to A substitution at nucleotide position 1789. The glycine at codon 597 is replaced by arginine, an amino acid with dissimilar properties. This amino acid position is highly conserved in available vertebrate species. In addition, this alteration is predicted to be tolerated by in silico analysis. Since supporting evidence is limited at this time, the clinical significance of this alteration remains unclear.

NM_006565.4(CTCF):c.1789G>A (p.Gly597Arg)

Gene: CTCF (CCCTC-binding factor; plus strand). Cytogenetic location: 16q22.1.
Variant type: single nucleotide variant.
Coding change: c.1789G>A on transcript NM_006565.4 (MANE Select); coding-DNA position 1789, G replaced by A.
Protein change: p.Gly597Arg; replaces glycine 597 with arginine.
Molecular consequence: missense variant.
Genome position (GRCh38, 1-based): chr16:67,629,485, G>A. VCF-style: chr16-67629485-G-A. GRCh37 (hg19) VCF-style: chr16-67663388-G-A.
Other names: c.805G>A, p.Gly269Arg (NM_001191022.2); c.1789G>A, p.Gly597Arg (NM_001363916.2); short protein forms G269R, G597R.
Identifiers: ClinVar variation 1780155 (VCV001780155.4), dbSNP rs1012435511, ClinGen allele CA283178420.